The following is an entry in ClinVar:

ClinVar aggregate classification (germline): Pathogenic (1 of 4 stars; one submission).

Conditions:
Polycystic kidney disease, adult type (PKD1). Also called: Polycystic Kidney Disease 1, Autosomal Dominant; Polycystic kidney disease 1; Polycystic kidney disease 1, severe; POLYCYSTIC KIDNEY DISEASE 1 WITH OR WITHOUT POLYCYSTIC LIVER DISEASE; POLYCYSTIC KIDNEY DISEASE, ADULT, TYPE I; Polycystic Kidney, Autosomal Dominant. Identifiers: MedGen C3149841, MONDO:0008263, OMIM 173900.

Submission:

Women's Health and Genetics/Laboratory Corporation of America, LabCorp
Classification: Pathogenic for Polycystic kidney disease, adult type. Last evaluated: 2026-02-23. Review status: criteria provided, single submitter. Criteria: LabCorp Variant Classification Summary - May 2015. Collection method: clinical testing. Allele origin: germline.
Comment: Variant summary: PKD1 c.9772_9794del23 (p.Phe3258HisfsX8) results in a premature termination codon, predicted to cause a truncation of the encoded protein or absence of the protein due to nonsense mediated decay, which are commonly known mechanisms for disease. The variant was absent in 168488 control chromosomes. To our knowledge, no occurrence of c.9772_9794del23 in individuals affected with PKD1-related conditions and no experimental evidence demonstrating its impact on protein function have been reported. No submitters have cited clinical-significance assessments for this variant to ClinVar. Based on the evidence outlined above, the variant was classified as pathogenic.

NM_001009944.3(PKD1):c.9772_9794del (p.Phe3258fs)

Gene: PKD1 (polycystin 1, transient receptor potential channel interacting; minus strand). Cytogenetic location: 16p13.3.
Variant type: Deletion.
Coding change: c.9772_9794del on transcript NM_001009944.3 (MANE Select); coding-DNA positions 9772 to 9794, 23 bases deleted (TTTGACAAGCACATCTGGCTCTC).
Protein change: p.Phe3258fs; shifts the reading frame from phenylalanine 3258.
Molecular consequence: frameshift variant.
Genome position (GRCh38, 1-based): chr16:2,099,990-2,100,012, GAGAGCCAGATGTGCTTGTCAAA deleted on the plus strand (TTTGACAAGCACATCTGGCTCTC on the coding strand, the reverse complement: PKD1 is on the minus strand); deleting any 23 consecutive bases within chr16:2,099,990-2,100,014 gives the same sequence; the c. name uses the placement nearest the transcript's 3' end. VCF-style (leftmost placement, unchanged base first): chr16-2099989-GGAGAGCCAGATGTGCTTGTCAAA-G. GRCh37 (hg19) VCF-style: chr16-2149990-GGAGAGCCAGATGTGCTTGTCAAA-G.
Other names: c.9772_9794del23 (NM_001009944.3); c.9772_9794del, p.Phe3258fs (NM_000296.4); short protein forms F3258fs.
Identifiers: ClinVar variation 4848161 (VCV004848161.1).
Genomic context (GRCh38, chr16:2,099,989, plus strand): 5'-AACGCAGCAGGTGGCCCTCTGGATGCGAGTGAAACGGCTACGAGGCGGCCGGTCCCATAT[GGAGAGCCAGATGTGCTTGTCAAA>G]GAAGCCACGCTGCAGCTCAGCCACCAGCAGGCGCCGGAAGCGCAAAAGGGCTGCGTCGCC-3'